The following is an entry in ClinVar:

ClinVar aggregate classification (germline): Uncertain significance (1 of 4 stars; one submission).

Allele frequency attached by ClinVar (database versions not stated): gnomAD 0.00001; ExAC 0.00002.

Submission:

Labcorp Genetics (formerly Invitae), Labcorp
Classification: Uncertain significance. Last evaluated: 2021-12-01. Review status: criteria provided, single submitter. Criteria: Invitae Variant Classification Sherloc (09022015). Collection method: clinical testing. Allele origin: germline.
Comment: This sequence change affects the initiator methionine of the SLC25A38 mRNA. The next in-frame methionine is located at codon 23. This variant is present in population databases (rs765685556, gnomAD 0.01%). This variant has not been reported in the literature in individuals affected with SLC25A38-related conditions. Experimental studies and prediction algorithms are not available or were not evaluated, and the functional significance of this variant is currently unknown. Algorithms developed to predict the effect of sequence changes on RNA splicing suggest that this variant may create or strengthen a splice site. In summary, the available evidence is currently insufficient to determine the role of this variant in disease. Therefore, it has been classified as a Variant of Uncertain Significance.

NM_017875.4(SLC25A38):c.1A>G (p.Met1Val)

Genes: SLC25A38 (solute carrier family 25 member 38; plus strand), LOC129936510 (ATAC-STARR-seq lymphoblastoid active region 19704; plus strand). Cytogenetic location: 3p22.1.
Variant type: single nucleotide variant.
Coding change: c.1A>G on transcript NM_017875.4 (MANE Select); coding-DNA position 1, A replaced by G.
Protein change: p.Met1Val; changes the start codon (methionine 1).
Molecular consequence: missense variant, initiator codon variant.
Genome position (GRCh38, 1-based): chr3:39,383,725, A>G. VCF-style: chr3-39383725-A-G. GRCh37 (hg19) VCF-style: chr3-39425216-A-G.
Other names: c.1A>G, p.Met1Val (NM_001354798.2); short protein forms M1V.
Identifiers: ClinVar variation 1379991 (VCV001379991.3), dbSNP rs765685556, ClinGen allele CA2327304.